The following is an entry in ClinVar:

NM_001330260.2(SCN8A):c.-55+1G>T

Gene: SCN8A (sodium voltage-gated channel alpha subunit 8; plus strand). Cytogenetic location: 12q13.13.
Variant type: single nucleotide variant.
Coding change: c.-55+1G>T on transcript NM_001330260.2 (MANE Select); the canonical splice donor site of the intron after 55 bases upstream of the start codon, G replaced by T.
Molecular consequence: splice donor variant.
Genome position (GRCh38, 1-based): chr12:51,591,360, G>T. VCF-style: chr12-51591360-G-T. GRCh37 (hg19) VCF-style: chr12-51985144-G-T.
Other names: c.-55+1G>T (NM_014191.4, NM_001177984.3, NM_001369788.1).
Identifiers: ClinVar variation 4529664 (VCV004529664.1).

ClinVar aggregate classification (germline): Uncertain significance (1 of 4 stars; one submission).

Submission:

GeneDx
Classification: Uncertain significance. Last evaluated: 2025-05-15. Review status: criteria provided, single submitter. Criteria: GeneDx Variant Classification Process June 2021. Collection method: clinical testing. Allele origin: germline. Affected: yes.
Comment: In silico analysis supports a deleterious effect on splicing; Has not been previously published as pathogenic or benign to our knowledge; No data available from control populations to assess the frequency of this variant; Located in a regulatory region; in the absence of functional studies, the actual effect of this sequence change is unknown